The following is an entry in ClinVar:

ClinVar aggregate classification (germline): Uncertain significance (1 of 4 stars; one submission).

Conditions:
Inborn genetic diseases. Identifiers: MedGen C0950123, MeSH D030342.

Submission:

Ambry Genetics
Classification: Uncertain significance for Inborn genetic diseases. Last evaluated: 2024-11-18. Review status: criteria provided, single submitter. Criteria: Ambry Variant Classification Scheme 2023. Collection method: clinical testing. Allele origin: germline.
Comment: The p.A93D variant (also known as c.278C>A), located in coding exon 2 of the G6PC3 gene, results from a C to A substitution at nucleotide position 278. The alanine at codon 93 is replaced by aspartic acid, an amino acid with dissimilar properties. This amino acid position is conserved. In addition, this alteration is predicted to be tolerated by in silico analysis. Based on the available evidence, the clinical significance of this variant remains unclear.

NM_138387.4(G6PC3):c.278C>A (p.Ala93Asp)

Gene: G6PC3 (glucose-6-phosphatase catalytic subunit 3; plus strand). Cytogenetic location: 17q21.31.
Variant type: single nucleotide variant.
Coding change: c.278C>A on transcript NM_138387.4 (MANE Select); coding-DNA position 278, C replaced by A.
Protein change: p.Ala93Asp; replaces alanine 93 with aspartic acid.
Molecular consequence: missense variant. On other transcripts: 5 prime UTR variant (4).
Genome position (GRCh38, 1-based): chr17:44,074,219, C>A. VCF-style: chr17-44074219-C-A. GRCh37 (hg19) VCF-style: chr17-42151587-C-A.
Other names: c.278C>A, p.Ala93Asp (NM_001319945.2); c.-68C>A (NM_001384165.1, NM_001384166.1, NM_001384167.1 and 1 more transcripts); short protein forms A93D.
Identifiers: ClinVar variation 3518049 (VCV003518049.1).